The following is an entry in ClinVar:

ClinVar aggregate classification (germline): Uncertain significance. Review status: criteria provided, multiple submitters, no conflicts (2 of 4 stars). 2 submissions from 2 submitters: Uncertain significance (2). Last evaluated 2023-09-10.

Conditions:
Long QT syndrome (LQTS). Identifiers: MedGen C0023976, MeSH D008133, MONDO:0002442. Disease mechanism: loss of function. Inheritance: Various modes of inheritance.

Allele frequency attached by ClinVar (database versions not stated): TOPMed below 0.00001; gnomAD 0.00001; gnomAD exomes 0.00001; ExAC 0.00002; ESP Exome Variant Server 0.00008.
gnomAD v4.1: 5 of 1,613,934 alleles (0.00031%); highest among the groups gnomAD compares: Non-Finnish European, 0.00042%; no homozygotes.

Submissions (2):

Labcorp Genetics (formerly Invitae), Labcorp
Classification: Uncertain significance for Long QT syndrome. Last evaluated: 2023-09-10. Review status: criteria provided, single submitter. Criteria: Invitae Variant Classification Sherloc (09022015). Collection method: clinical testing. Allele origin: germline.
Comment: This sequence change replaces threonine, which is neutral and polar, with isoleucine, which is neutral and non-polar, at codon 1851 of the ANK2 protein (p.Thr1851Ile). In summary, the available evidence is currently insufficient to determine the role of this variant in disease. Therefore, it has been classified as a Variant of Uncertain Significance. Advanced modeling of protein sequence and biophysical properties (such as structural, functional, and spatial information, amino acid conservation, physicochemical variation, residue mobility, and thermodynamic stability) performed at Invitae indicates that this missense variant is expected to disrupt ANK2 protein function. This variant has not been reported in the literature in individuals affected with ANK2-related conditions. This variant is present in population databases (rs376085805, gnomAD 0.0009%). ClinVar contains an entry for this variant (Variation ID: 2505797).

GeneDx
Classification: Uncertain significance. Last evaluated: 2022-12-13. Review status: criteria provided, single submitter. Criteria: GeneDx Variant Classification Process June 2021. Collection method: clinical testing. Allele origin: germline. Affected: yes.
Comment: Not observed at significant frequency in large population cohorts (gnomAD); In silico analysis supports that this missense variant does not alter protein structure/function; Has not been previously published as pathogenic or benign to our knowledge; Located in exon 38, which is reported as being expressed in a brain-specific transcript (Otto et al, 1991; Cunha et al, 2008; Wu et al, 2015)

NM_001148.6(ANK2):c.5552C>T (p.Thr1851Ile)

Genes: ANK2 (ankyrin 2; plus strand), LOC126807136 (MED14-independent group 3 enhancer GRCh37_chr4:114274931-114276130; plus strand). Cytogenetic location: 4q26.
Variant type: single nucleotide variant.
Coding change: c.5552C>T on transcript NM_001148.6 (MANE Select); coding-DNA position 5552, C replaced by T.
Protein change: p.Thr1851Ile; replaces threonine 1851 with isoleucine.
Molecular consequence: missense variant. On other transcripts: intron variant (68).
Genome position (GRCh38, 1-based): chr4:113,354,170, C>T. VCF-style: chr4-113354170-C-T. GRCh37 (hg19) VCF-style: chr4-114275326-C-T.
Other names: c.4468+3921C>T (NM_001354231.2, NM_001354242.2); c.4471+3921C>T (NM_001386144.1, NM_001354240.2, NM_001354241.2); c.1990+3921C>T (NM_001354279.2, NM_001354282.2); c.1975+3921C>T (NM_001354280.2); c.1954+3921C>T (NM_001354278.2, NM_001354281.2); c.826+3921C>T (NM_001386167.1); c.4360+3921C>T (NM_001354256.2, NM_001386161.1, NM_001354244.2); c.4399+3921C>T (NM_001127493.3); and 35 more; short protein forms T1773I, T1851I, T1890I, T1898I, T651I.
Identifiers: ClinVar variation 2505797 (VCV002505797.4), dbSNP rs376085805, ClinGen allele CA3051251.
Genomic context (GRCh38, chr4:113,354,170, plus strand): 5'-CTACTCTTTCCTCTTCCGCAAAAACTGAAAGGCACCCTCCAGTATCACCATCAAGTAAAA[C>T]TGAGAAACACTCACCTGTGTCACCCTCTGCAAAAACGGAAAGACATTCACCTGCGTCATC-3'
Protein context (NP_001139.3, residues 1841-1861): RHPPVSPSSK[Thr1851Ile]EKHSPVSPSA